The following is an entry in ClinVar:

NM_015251.3(ATMIN):c.261C>T (p.Thr87=)

Genes: ATMIN (ATM interactor; plus strand), CENPN-AS1 (CENPN antisense RNA 1; minus strand). Cytogenetic location: 16q23.2.
Variant type: single nucleotide variant.
Coding change: c.261C>T on transcript NM_015251.3 (MANE Select); coding-DNA position 261, C replaced by T.
Protein change: p.Thr87=; no amino-acid change (threonine 87 retained).
Molecular consequence: synonymous variant.
Genome position (GRCh38, 1-based): chr16:81,036,131, C>T. VCF-style: chr16-81036131-C-T. GRCh37 (hg19) VCF-style: chr16-81069736-C-T.
Identifiers: ClinVar variation 2646892 (VCV002646892.24), dbSNP rs775492976, ClinGen allele CA496428531.

ClinVar aggregate classification (germline): Likely benign (1 of 4 stars; one submission).

gnomAD v4.1: 3 of 1,462,616 alleles (0.00021%); highest among the groups gnomAD compares: Admixed American, 0.0063%; no homozygotes.

Submission:

CeGaT Center for Human Genetics Tuebingen
Classification: Likely benign. Last evaluated: 2022-10-01. Review status: criteria provided, single submitter. Criteria: CeGaT Center For Human Genetics Tuebingen Variant Classification Criteria Version 2. Collection method: clinical testing. Allele origin: germline. Affected: yes. Observed: 1 variant allele.
Comment: ATMIN: BP4, BP7